The following is an entry in ClinVar:

NM_000135.4(FANCA):c.4066G>A (p.Val1356Ile)

Genes: FANCA (FA complementation group A; minus strand), ZNF276 (zinc finger protein 276; plus strand). Cytogenetic location: 16q24.3.
Variant type: single nucleotide variant.
Coding change: c.4066G>A on transcript NM_000135.4 (MANE Select); coding-DNA position 4066, G replaced by A.
Protein change: p.Val1356Ile; replaces valine 1356 with isoleucine.
Molecular consequence: missense variant. On other transcripts: 3 prime UTR variant (2), non-coding transcript variant (4).
Genome position (GRCh38, 1-based): chr16:89,739,234, C>T on the plus strand (G>A on the coding strand, the complement: FANCA is on the minus strand). VCF-style: chr16-89739234-C-T. GRCh37 (hg19) VCF-style: chr16-89805642-C-T.
Other names: c.4066G>A, p.Val1356Ile (NM_001286167.3); c.*988C>T (NM_001113525.2, NM_152287.4); short protein forms V1356I.
Identifiers: ClinVar variation 4870890 (VCV004870890.1).

ClinVar aggregate classification (germline): Uncertain significance (1 of 4 stars; one submission).

Conditions:
Inborn genetic diseases. Identifiers: MedGen C0950123, MeSH D030342.

gnomAD v4.1: 1 of 1,614,162 alleles (0.000062%); highest among the groups gnomAD compares: East Asian, 0.0022%; no homozygotes.

Submission:

Ambry Genetics
Classification: Uncertain significance for Inborn genetic diseases. Last evaluated: 2026-05-24. Review status: criteria provided, single submitter. Criteria: Ambry Variant Classification Scheme 2023. Collection method: clinical testing. Allele origin: germline.
Comment: The p.V1356I variant (also known as c.4066G>A), located in coding exon 41 of the FANCA gene, results from a G to A substitution at nucleotide position 4066. The valine at codon 1356 is replaced by isoleucine, an amino acid with highly similar properties. This amino acid position is conserved. In addition, this alteration is predicted to be tolerated by in silico analysis. Based on the available evidence, the clinical significance of this variant remains unclear.